The following is an entry in ClinVar:

NM_000179.3(MSH6):c.3919A>G (p.Asn1307Asp)

Gene: MSH6 (mutS homolog 6; plus strand). Cytogenetic location: 2p16.3.
Variant type: single nucleotide variant.
Coding change: c.3919A>G on transcript NM_000179.3 (MANE Select); coding-DNA position 3919, A replaced by G.
Protein change: p.Asn1307Asp; replaces asparagine 1307 with aspartic acid.
Molecular consequence: missense variant.
Genome position (GRCh38, 1-based): chr2:47,806,569, A>G. VCF-style: chr2-47806569-A-G. GRCh37 (hg19) VCF-style: chr2-48033708-A-G.
Other names: c.3529A>G, p.Asn1177Asp (NM_001281492.2); c.3013A>G, p.Asn1005Asp (NM_001281493.2, NM_001281494.2); short protein forms N1307D, N1177D, N1005D.
Identifiers: ClinVar variation 483846 (VCV000483846.54), dbSNP rs730881808, ClinGen allele CA072291.

ClinVar aggregate classification (germline): Conflicting classifications of pathogenicity. Review status: criteria provided, conflicting classifications (1 of 4 stars). 5 submissions from 5 submitters: Uncertain significance (4); Likely benign (1). Last evaluated 2026-01-16.

Conditions:
Hereditary cancer-predisposing syndrome. Also called: Hereditary neoplastic syndrome; Tumor predisposition; Neoplastic Syndromes, Hereditary; Hereditary Cancer Syndrome. Identifiers: Orphanet 140162, MedGen C0027672, MeSH D009386, MONDO:0015356.
MSH6-related disorder. Also called: MSH6-related condition; MSH6-Related disorders.
Hereditary nonpolyposis colorectal neoplasms. Identifiers: MedGen C0009405, MeSH D003123.

Allele frequency attached by ClinVar (database versions not stated): ExAC 0.00001; gnomAD exomes 0.00001; TOPMed 0.00001.
gnomAD v4.1: 18 of 1,613,876 alleles (0.0011%); highest among the groups gnomAD compares: Admixed American, 0.0017%; no homozygotes.

Submissions (5):

PreventionGenetics, part of Exact Sciences
Classification: Uncertain significance for MSH6-related condition. Last evaluated: 2026-01-16. Review status: criteria provided, single submitter. Criteria: ACMG Guidelines, 2015. Collection method: clinical testing. Allele origin: germline.
Comment: The MSH6 c.3919A>G variant is predicted to result in the amino acid substitution p.Asn1307Asp. To our knowledge, this variant has not been reported in the literature. This variant is reported in 0.0029% of alleles in individuals of Latino descent in gnomAD and has conflicting interpretations in ClinVar ranging from likely benign to uncertain (Variation ID: 483846). At this time, the clinical significance of this variant is uncertain due to the absence of conclusive functional and genetic evidence.

Labcorp Genetics (formerly Invitae), Labcorp
Classification: Likely benign for Hereditary nonpolyposis colorectal neoplasms. Last evaluated: 2025-12-01. Review status: criteria provided, single submitter. Criteria: Invitae Variant Classification Sherloc (09022015). Collection method: clinical testing. Allele origin: germline.

Ambry Genetics
Classification: Uncertain significance for Hereditary cancer-predisposing syndrome. Last evaluated: 2025-10-16. Review status: criteria provided, single submitter. Criteria: Ambry Variant Classification Scheme 2023. Collection method: clinical testing. Allele origin: germline.
Comment: The p.N1307D variant (also known as c.3919A>G), located in coding exon 9 of the MSH6 gene, results from an A to G substitution at nucleotide position 3919. The asparagine at codon 1307 is replaced by aspartic acid, an amino acid with highly similar properties. This amino acid position is not well conserved in available vertebrate species. In addition, this alteration is predicted to be tolerated by in silico analysis. Since supporting evidence is limited at this time, the clinical significance of this alteration remains unclear.

Quest Diagnostics Nichols Institute San Juan Capistrano
Classification: Uncertain significance. Last evaluated: 2022-11-18. Review status: criteria provided, single submitter. Criteria: Quest Diagnostics criteria. Collection method: clinical testing. Allele origin: unknown.
Comment: The frequency of this variant in the general population, 0.000008 (2/250380 chromosomes), is uninformative in assessment of its pathogenicity. In a large-scale breast cancer association study, the variant was observed in an unaffected individual (PMID: 33471991 (2021), see also LOVD). Analysis of this variant using bioinformatics tools for the prediction of the effect of amino acid changes on protein structure and function yielded predictions that this variant is benign. Based on the available information, we are unable to determine the clinical significance of this variant.

CeGaT Center for Human Genetics Tuebingen
Classification: Uncertain significance. Last evaluated: 2020-05-01. Review status: criteria provided, single submitter. Criteria: CeGaT Center For Human Genetics Tuebingen Variant Classification Criteria Version 2. Collection method: clinical testing. Allele origin: germline. Affected: yes. Observed: 1 variant allele.

Literature cited by the submitters: PubMed 33471991 (cited by Quest Diagnostics Nichols Institute San Juan Capistrano).